The following is an entry in ClinVar:

NM_182931.3(KMT2E):c.2671A>G (p.Thr891Ala)

Gene: KMT2E (lysine methyltransferase 2E (inactive); plus strand). Cytogenetic location: 7q22.3.
Variant type: single nucleotide variant.
Coding change: c.2671A>G on transcript NM_182931.3 (MANE Select); coding-DNA position 2671, A replaced by G.
Protein change: p.Thr891Ala; replaces threonine 891 with alanine.
Molecular consequence: missense variant.
Genome position (GRCh38, 1-based): chr7:105,106,596, A>G. VCF-style: chr7-105106596-A-G. GRCh37 (hg19) VCF-style: chr7-104747043-A-G.
Other names: c.2671A>G, p.Thr891Ala (NM_001410908.1, NM_018682.4); short protein forms T891A.
Identifiers: ClinVar variation 2824522 (VCV002824522.3), dbSNP rs747047836, ClinGen allele CA4424283.

ClinVar aggregate classification (germline): Uncertain significance (1 of 4 stars; one submission).

Allele frequency attached by ClinVar (database versions not stated): ExAC 0.00001.
gnomAD v4.1: 1 of 1,613,162 alleles (0.000062%); highest among the groups gnomAD compares: Admixed American, 0.0017%; no homozygotes.

Submission:

Labcorp Genetics (formerly Invitae), Labcorp
Classification: Uncertain significance. Last evaluated: 2022-12-27. Review status: criteria provided, single submitter. Criteria: Invitae Variant Classification Sherloc (09022015). Collection method: clinical testing. Allele origin: germline.
Comment: In summary, the available evidence is currently insufficient to determine the role of this variant in disease. Therefore, it has been classified as a Variant of Uncertain Significance. Advanced modeling of protein sequence and biophysical properties (such as structural, functional, and spatial information, amino acid conservation, physicochemical variation, residue mobility, and thermodynamic stability) performed at Invitae indicates that this missense variant is not expected to disrupt KMT2E protein function. This variant has not been reported in the literature in individuals affected with KMT2E-related conditions. This variant is present in population databases (rs747047836, gnomAD 0.003%). This sequence change replaces threonine, which is neutral and polar, with alanine, which is neutral and non-polar, at codon 891 of the KMT2E protein (p.Thr891Ala).